The following is an entry in ClinVar:

ClinVar aggregate classification (germline): Uncertain significance (1 of 4 stars; one submission).

Allele frequency attached by ClinVar (database versions not stated): gnomAD exomes 0.00002; gnomAD 0.00003; ExAC 0.00005; ESP Exome Variant Server 0.00008.

Submission:

Labcorp Genetics (formerly Invitae), Labcorp
Classification: Uncertain significance. Last evaluated: 2024-10-29. Review status: criteria provided, single submitter. Criteria: Invitae Variant Classification Sherloc (09022015). Collection method: clinical testing. Allele origin: germline.
Comment: This sequence change replaces valine, which is neutral and non-polar, with methionine, which is neutral and non-polar, at codon 371 of the CREB3L3 protein (p.Val371Met). This variant is present in population databases (rs372895670, gnomAD 0.03%). This variant has not been reported in the literature in individuals affected with CREB3L3-related conditions. ClinVar contains an entry for this variant (Variation ID: 2908825). Invitae Evidence Modeling of protein sequence and biophysical properties (such as structural, functional, and spatial information, amino acid conservation, physicochemical variation, residue mobility, and thermodynamic stability) has been performed for this missense variant. However, the output from this modeling did not meet the statistical confidence thresholds required to predict the impact of this variant on CREB3L3 protein function. In summary, the available evidence is currently insufficient to determine the role of this variant in disease. Therefore, it has been classified as a Variant of Uncertain Significance.

NM_032607.3(CREB3L3):c.1111G>A (p.Val371Met)

Gene: CREB3L3 (cAMP responsive element binding protein 3 like 3; plus strand). Cytogenetic location: 19p13.3.
Variant type: single nucleotide variant.
Coding change: c.1111G>A on transcript NM_032607.3 (MANE Select); coding-DNA position 1111, G replaced by A.
Protein change: p.Val371Met; replaces valine 371 with methionine.
Molecular consequence: missense variant.
Genome position (GRCh38, 1-based): chr19:4,171,694, G>A. VCF-style: chr19-4171694-G-A. GRCh37 (hg19) VCF-style: chr19-4171691-G-A.
Other names: c.1108G>A, p.Val370Met (NM_001271995.2); c.1105G>A, p.Val369Met (NM_001271996.2); c.1004G>A, p.Arg335His (NM_001271997.2); short protein forms V370M, R335H, V369M, V371M.
Identifiers: ClinVar variation 2908825 (VCV002908825.3), dbSNP rs372895670, ClinGen allele CA9091623.
Genomic context (GRCh38, chr19:4,171,694, plus strand): 5'-GATGCCCCCCTTCCCCAATCAGTGTTCTCCAGAACTTTGCACAACGATGCTGCCTCCCGC[G>A]TGGCTGCTGATGCTGTGCCAGGCTCCGAGGCCCCAGGACCCCGACCCGAGGCTGACACAA-3'
Protein context (NP_115996.1, residues 361-381): RTLHNDAASR[Val371Met]AADAVPGSEA